The following is an entry in ClinVar:

ClinVar aggregate classification (germline): Uncertain significance. Review status: criteria provided, multiple submitters, no conflicts (2 of 4 stars). 2 submissions from 2 submitters: Uncertain significance (2). Last evaluated 2023-03-22.

Conditions:
Focal segmental glomerulosclerosis 7 (FSGS7). Identifiers: Orphanet 656, MedGen C4014925, MONDO:0014451, OMIM 616002.
Renal coloboma syndrome (PAPRS). Also called: COLOBOMA OF OPTIC NERVE WITH RENAL DISEASE; OPTIC COLOBOMA, VESICOURETERAL REFLUX, AND RENAL ANOMALIES; OPTIC NERVE COLOBOMA WITH RENAL DISEASE; PAPILLORENAL SYNDROME WITH MILD OCULAR ABNORMALITIES; CONGENITAL ANOMALIES OF THE KIDNEY AND URINARY TRACT WITH OR WITHOUT OCULAR ABNORMALITIES; CAKUT WITH OR WITHOUT OCULAR ABNORMALITIES. Identifiers: Orphanet 1475, MedGen C1852759, MONDO:0007352, OMIM 120330.

Allele frequency attached by ClinVar (database versions not stated): gnomAD exomes below 0.00001; gnomAD 0.00001; TOPMed 0.00001.
gnomAD v4.1: 3 of 1,613,086 alleles (0.00019%); highest among the groups gnomAD compares: Non-Finnish European, 0.00025%; no homozygotes.

Submissions (2):

Blueprint Genetics
Classification: Uncertain significance. Last evaluated: 2023-03-22. Review status: criteria provided, single submitter. Criteria: ACMG Guidelines, 2015. Collection method: clinical testing. Allele origin: germline.

Labcorp Genetics (formerly Invitae), Labcorp
Classification: Uncertain significance for Renal coloboma syndrome; Focal segmental glomerulosclerosis 7. Last evaluated: 2023-01-21. Review status: criteria provided, single submitter. Criteria: Invitae Variant Classification Sherloc (09022015). Collection method: clinical testing. Allele origin: germline.
Comment: This variant has not been reported in the literature in individuals affected with PAX2-related conditions. In summary, the available evidence is currently insufficient to determine the role of this variant in disease. Therefore, it has been classified as a Variant of Uncertain Significance. An algorithm developed to predict the effect of missense changes on protein structure and function (PolyPhen-2) suggests that this variant is likely to be disruptive. ClinVar contains an entry for this variant (Variation ID: 1439233). This variant is present in population databases (no rsID available, gnomAD 0.0009%). This sequence change replaces tyrosine, which is neutral and polar, with phenylalanine, which is neutral and non-polar, at codon 268 of the PAX2 protein (p.Tyr268Phe).

NM_000278.5(PAX2):c.803A>T (p.Tyr268Phe)

Gene: PAX2 (paired box 2; plus strand). Cytogenetic location: 10q24.31.
Variant type: single nucleotide variant.
Coding change: c.803A>T on transcript NM_000278.5 (MANE Select); coding-DNA position 803, A replaced by T.
Protein change: p.Tyr268Phe; replaces tyrosine 268 with phenylalanine.
Molecular consequence: missense variant.
Genome position (GRCh38, 1-based): chr10:100,809,120, A>T. VCF-style: chr10-100809120-A-T. GRCh37 (hg19) VCF-style: chr10-102568877-A-T.
Other names: c.896A>T, p.Tyr299Phe (NM_001304569.2); c.872A>T, p.Tyr291Phe (NM_003987.5, NM_003990.5); c.803A>T, p.Tyr268Phe (NM_003988.5, NM_003989.5); short protein forms Y291F, Y268F, Y299F.
Identifiers: ClinVar variation 1439233 (VCV001439233.7), dbSNP rs548691376, ClinGen allele CA378259266.